The following is an entry in ClinVar:

ClinVar aggregate classification (germline): Uncertain significance (1 of 4 stars; one submission).

Submission:

Labcorp Genetics (formerly Invitae), Labcorp
Classification: Uncertain significance. Last evaluated: 2023-10-10. Review status: criteria provided, single submitter. Criteria: Invitae Variant Classification Sherloc (09022015). Collection method: clinical testing. Allele origin: germline.
Comment: This sequence change replaces cysteine, which is neutral and slightly polar, with arginine, which is basic and polar, at codon 1874 of the POLE protein (p.Cys1874Arg). This variant is not present in population databases (gnomAD no frequency). This variant has not been reported in the literature in individuals affected with POLE-related conditions. Advanced modeling of protein sequence and biophysical properties (such as structural, functional, and spatial information, amino acid conservation, physicochemical variation, residue mobility, and thermodynamic stability) performed at Invitae indicates that this missense variant is not expected to disrupt POLE protein function. In summary, the available evidence is currently insufficient to determine the role of this variant in disease. Therefore, it has been classified as a Variant of Uncertain Significance.

NM_006231.4(POLE):c.5620T>C (p.Cys1874Arg)

Gene: POLE (DNA polymerase epsilon, catalytic subunit; minus strand). Cytogenetic location: 12q24.33.
Variant type: single nucleotide variant.
Coding change: c.5620T>C on transcript NM_006231.4 (MANE Select); coding-DNA position 5620, T replaced by C.
Protein change: p.Cys1874Arg; replaces cysteine 1874 with arginine.
Molecular consequence: missense variant.
Genome position (GRCh38, 1-based): chr12:132,638,072, A>G on the plus strand (T>C on the coding strand, the complement: POLE is on the minus strand). VCF-style: chr12-132638072-A-G. GRCh37 (hg19) VCF-style: chr12-133214658-A-G.
Other names: short protein forms C1874R.
Identifiers: ClinVar variation 2767421 (VCV002767421.3), dbSNP rs2138501166, ClinGen allele CA387374084.